The following is an entry in ClinVar:

NM_001927.4(DES):c.103T>C (p.Phe35Leu)

Gene: DES (desmin; plus strand). Cytogenetic location: 2q35.
Variant type: single nucleotide variant.
Coding change: c.103T>C on transcript NM_001927.4 (MANE Select); coding-DNA position 103, T replaced by C.
Protein change: p.Phe35Leu; replaces phenylalanine 35 with leucine.
Molecular consequence: missense variant.
Genome position (GRCh38, 1-based): chr2:219,418,565, T>C. VCF-style: chr2-219418565-T-C. GRCh37 (hg19) VCF-style: chr2-220283287-T-C.
Other names: c.103T>C, p.Phe35Leu (NM_001382708.1, NM_001382709.1, NM_001382710.1 and 3 more transcripts); short protein forms F35L.
Identifiers: ClinVar variation 2943907 (VCV002943907.3), dbSNP rs2125165836, ClinGen allele CA350682905.

ClinVar aggregate classification (germline): Uncertain significance (1 of 4 stars; one submission).

Conditions:
Desmin-related myofibrillar myopathy (MFM1). Also called: MYOFIBRILLAR MYOPATHY WITH ARRHYTHMOGENIC RIGHT VENTRICULAR CARDIOMYOPATHY; DESMIN-RELATED MYOPATHY WITH ARRHYTHMOGENIC RIGHT VENTRICULAR CARDIOMYOPATHY; Myofibrillar myopathy 1; Desminopathy; Desmin related myopathy (former name); Desmin storage myopathy (former name). Identifiers: Orphanet 363543, Orphanet 98909, MedGen C1832370, MONDO:0011076, OMIM 601419.

Submission:

Labcorp Genetics (formerly Invitae), Labcorp
Classification: Uncertain significance for Desmin-related myofibrillar myopathy. Last evaluated: 2023-02-03. Review status: criteria provided, single submitter. Criteria: Invitae Variant Classification Sherloc (09022015). Collection method: clinical testing. Allele origin: germline.
Comment: Advanced modeling of protein sequence and biophysical properties (such as structural, functional, and spatial information, amino acid conservation, physicochemical variation, residue mobility, and thermodynamic stability) has been performed at Invitae for this missense variant, however the output from this modeling did not meet the statistical confidence thresholds required to predict the impact of this variant on DES protein function. This variant has not been reported in the literature in individuals affected with DES-related conditions. In summary, the available evidence is currently insufficient to determine the role of this variant in disease. Therefore, it has been classified as a Variant of Uncertain Significance. This variant is not present in population databases (gnomAD no frequency). This sequence change replaces phenylalanine, which is neutral and non-polar, with leucine, which is neutral and non-polar, at codon 35 of the DES protein (p.Phe35Leu).